The following is an entry in ClinVar:

ClinVar aggregate classification (germline): Uncertain significance (1 of 4 stars; one submission).

Conditions:
L-2-hydroxyglutaric aciduria (L2HGA). Identifiers: Orphanet 79314, MedGen C1855995, MONDO:0009370, OMIM 236792, HP:0040144.

Allele frequency attached by ClinVar (database versions not stated): gnomAD exomes 0.00001 and 0.00002; ExAC 0.00002; TOPMed 0.00002; gnomAD 0.00006; ESP Exome Variant Server 0.00008.
gnomAD v4.1: 21 of 1,614,032 alleles (0.0013%); highest among the groups gnomAD compares: African/African-American, 0.02%; no homozygotes.

Submission:

Labcorp Genetics (formerly Invitae), Labcorp
Classification: Uncertain significance for L-2-hydroxyglutaric aciduria. Last evaluated: 2025-03-31. Review status: criteria provided, single submitter. Criteria: Invitae Variant Classification Sherloc (09022015). Collection method: clinical testing. Allele origin: germline.
Comment: This sequence change replaces histidine, which is basic and polar, with arginine, which is basic and polar, at codon 92 of the L2HGDH protein (p.His92Arg). This variant is present in population databases (rs140209047, gnomAD 0.02%). This variant has not been reported in the literature in individuals affected with L2HGDH-related conditions. ClinVar contains an entry for this variant (Variation ID: 641569). Invitae Evidence Modeling of protein sequence and biophysical properties (such as structural, functional, and spatial information, amino acid conservation, physicochemical variation, residue mobility, and thermodynamic stability) indicates that this missense variant is not expected to disrupt L2HGDH protein function with a negative predictive value of 95%. In summary, the available evidence is currently insufficient to determine the role of this variant in disease. Therefore, it has been classified as a Variant of Uncertain Significance.

NM_024884.3(L2HGDH):c.275A>G (p.His92Arg)

Gene: L2HGDH (L-2-hydroxyglutarate dehydrogenase; minus strand). Cytogenetic location: 14q21.3.
Variant type: single nucleotide variant.
Coding change: c.275A>G on transcript NM_024884.3 (MANE Select); coding-DNA position 275, A replaced by G.
Protein change: p.His92Arg; replaces histidine 92 with arginine.
Molecular consequence: missense variant.
Genome position (GRCh38, 1-based): chr14:50,302,150, T>C on the plus strand (A>G on the coding strand, the complement: L2HGDH is on the minus strand). VCF-style: chr14-50302150-T-C. GRCh37 (hg19) VCF-style: chr14-50768868-T-C.
Other names: short protein forms H92R.
Identifiers: ClinVar variation 641569 (VCV000641569.8), dbSNP rs140209047, ClinGen allele CA7178062.